The following is an entry in ClinVar:

ClinVar aggregate classification (germline): Likely benign (1 of 4 stars; one submission).

gnomAD v4.1: 3 of 780,670 alleles (0.00038%); highest among the groups gnomAD compares: African/African-American, 0.0017%; no homozygotes.

Submission:

Mayo Clinic Laboratories, Mayo Clinic
Classification: Likely benign. Last evaluated: 2025-07-31. Review status: criteria provided, single submitter. Criteria: ACMG Guidelines, 2015. Collection method: clinical testing. Allele origin: germline. Observed: 1 variant allele.
Comment: BP4, BP7, PM2_supporting

NM_001733.7(C1R):c.429T>C (p.Leu143=)

Gene: C1R (complement C1r; minus strand). Cytogenetic location: 12p13.31.
Variant type: single nucleotide variant.
Coding change: c.429T>C on transcript NM_001733.7 (MANE Select); coding-DNA position 429, T replaced by C.
Protein change: p.Leu143=; no amino-acid change (leucine 143 retained).
Molecular consequence: synonymous variant.
Genome position (GRCh38, 1-based): chr12:7,089,729, A>G on the plus strand (T>C on the coding strand, the complement: C1R is on the minus strand). VCF-style: chr12-7089729-A-G. GRCh37 (hg19) VCF-style: chr12-7242325-A-G.
Other names: p.Leu143=; c.471T>C, p.Leu157= (NM_001354346.2).
Identifiers: ClinVar variation 4683726 (VCV004683726.1).